The following is an entry in ClinVar:

ClinVar aggregate classification (germline): Pathogenic (1 of 4 stars; one submission).

Allele frequency attached by ClinVar (database versions not stated): gnomAD exomes below 0.00001; gnomAD 0.00001.

Submission:

Athena Diagnostics
Classification: Pathogenic. Last evaluated: 2022-05-18. Review status: criteria provided, single submitter. Criteria: Athena Diagnostics Criteria. Collection method: clinical testing. Allele origin: unknown.
Comment: This variant is expected to result in the loss of a functional protein. This variant has been identified in at least one individual tested at Athena Diagnostics with clinical features associated with this gene. This variant has not been reported in large, multi-ethnic general populations.

NM_025137.4(SPG11):c.1590del (p.His531fs)

Gene: SPG11 (SPG11 vesicle trafficking associated, spatacsin; minus strand). Cytogenetic location: 15q21.1.
Variant type: Deletion.
Coding change: c.1590del on transcript NM_025137.4 (MANE Select); coding-DNA position 1590, one base deleted (A; older notation c.1590delA).
Protein change: p.His531fs; shifts the reading frame from histidine 531.
Molecular consequence: frameshift variant.
Genome position (GRCh38, 1-based): chr15:44,648,878, T deleted on the plus strand (A on the coding strand, the reverse complement: SPG11 is on the minus strand). VCF-style (leftmost placement, unchanged base first): chr15-44648877-GT-G. GRCh37 (hg19) VCF-style: chr15-44941075-GT-G.
Other names: c.1590del, p.His531fs (NM_001160227.2); c.1590delA, p.His531Metfs (NM_001411132.1); short protein forms H531fs.
Identifiers: ClinVar variation 1807117 (VCV001807117.1), dbSNP rs2084680161, ClinGen allele CA969293181.